The following is an entry in ClinVar:

ClinVar aggregate classification (germline): Likely benign. Review status: criteria provided, multiple submitters, no conflicts (2 of 4 stars). 5 submissions from 5 submitters: Likely benign (4). 1 of the submissions does not count toward it. Last evaluated 2025-05-22.

Conditions:
NDUFB11-related disorders. Also called: NDUFB11-related disorder; NDUFB11-related condition. Identifiers: MedGen CN378754, MONDO:1040023.

Allele frequency attached by ClinVar (database versions not stated): TOPMed below 0.00001; gnomAD 0.00001 and 0.00005; gnomAD exomes 0.00001 and 0.00002; ExAC 0.00005; 1000 Genomes Project 30x 0.00042; 1000 Genomes Project 0.00053.
gnomAD v4.1: 19 of 1,210,274 alleles (0.0016%); highest among the groups gnomAD compares: Middle Eastern, 0.023%; 1 homozygote.

Submissions (5):

Labcorp Genetics (formerly Invitae), Labcorp
Classification: Likely benign. Last evaluated: 2025-05-22. Review status: criteria provided, single submitter. Criteria: Invitae Variant Classification Sherloc (09022015). Collection method: clinical testing. Allele origin: germline.

Blueprint Genetics
Classification: Likely benign. Last evaluated: 2024-06-20. Review status: criteria provided, single submitter. Criteria: ACMG Guidelines, 2015. Collection method: clinical testing. Allele origin: germline.

CeGaT Center for Human Genetics Tuebingen
Classification: Likely benign. Last evaluated: 2020-11-01. Review status: criteria provided, single submitter. Criteria: CeGaT Center For Human Genetics Tuebingen Variant Classification Criteria Version 2. Collection method: clinical testing. Allele origin: germline. Affected: yes. Observed: 1 variant allele.

Breakthrough Genomics
Classification: Likely benign. Review status: criteria provided, single submitter. Criteria: ACMG Guidelines, 2015. Collection method: not provided. Allele origin: germline. Inheritance: X-linked inheritance. Affected: yes.

PreventionGenetics, part of Exact Sciences
Classification: Likely benign for NDUFB11-related condition. Last evaluated: 2024-06-11. Review status: no assertion criteria provided. Collection method: clinical testing. Allele origin: germline. Not counted in ClinVar's aggregate classification.
Comment: This variant is classified as likely benign based on ACMG/AMP sequence variant interpretation guidelines (Richards et al. 2015 PMID: 25741868, with internal and published modifications).

NM_001135998.3(NDUFB11):c.327G>C (p.Leu109=)

Gene: NDUFB11 (NADH:ubiquinone oxidoreductase subunit B11; minus strand). Cytogenetic location: Xp11.3.
Variant type: single nucleotide variant.
Coding change: c.327G>C on transcript NM_001135998.3 (MANE Select); coding-DNA position 327, G replaced by C.
Protein change: p.Leu109=; no amino-acid change (leucine 109 retained).
Molecular consequence: synonymous variant.
Genome position (GRCh38, 1-based): chrX:47,142,625, C>G on the plus strand (G>C on the coding strand, the complement: NDUFB11 is on the minus strand). VCF-style: chrX-47142625-C-G. GRCh37 (hg19) VCF-style: chrX-47002024-C-G.
Other names: c.327G>C (NM_019056.6); c.327G>C, p.Leu109= (NM_019056.7).
Identifiers: ClinVar variation 1012863 (VCV001012863.43), dbSNP rs182601059, ClinGen allele CA10394908.